The following is an entry in ClinVar:

ClinVar aggregate classification (germline): Uncertain significance (0 of 4 stars; one submission).

Conditions:
NRXN2-related disorder. Also called: NRXN2-related condition.

Allele frequency attached by ClinVar (database versions not stated): gnomAD exomes below 0.00001.
gnomAD v4.1: 2 of 1,572,260 alleles (0.00013%); highest among the groups gnomAD compares: South Asian, 0.0023%; no homozygotes.

Submission:

PreventionGenetics, part of Exact Sciences
Classification: Uncertain significance for NRXN2-related condition. Last evaluated: 2024-01-30. Review status: no assertion criteria provided. Collection method: clinical testing. Allele origin: germline.
Comment: The NRXN2 c.4601C>G variant is predicted to result in the amino acid substitution p.Pro1534Arg. To our knowledge, this variant has not been reported in the literature or in a large population database, indicating this variant is rare. At this time, the clinical significance of this variant is uncertain due to the absence of conclusive functional and genetic evidence.

NM_015080.4(NRXN2):c.4601C>G (p.Pro1534Arg)

Gene: NRXN2 (neurexin 2; minus strand). Cytogenetic location: 11q13.1.
Variant type: single nucleotide variant.
Coding change: c.4601C>G on transcript NM_015080.4 (MANE Select); coding-DNA position 4601, C replaced by G.
Protein change: p.Pro1534Arg; replaces proline 1534 with arginine.
Molecular consequence: missense variant. On other transcripts: intron variant (7).
Genome position (GRCh38, 1-based): chr11:64,607,734, G>C on the plus strand (C>G on the coding strand, the complement: NRXN2 is on the minus strand). VCF-style: chr11-64607734-G-C. GRCh37 (hg19) VCF-style: chr11-64375206-G-C.
Other names: c.4391C>G, p.Pro1464Arg (NM_138732.3); c.1463C>G, p.Pro488Arg (NM_138734.3); c.4229-234C>G (NM_001376266.1); c.4208-234C>G (NM_001376265.1); c.4142-234C>G (NM_001376267.1); c.4232-234C>G (NM_001376263.1); c.4253-234C>G (NM_001376262.1); c.788-234C>G (NM_001400682.1); and 1 more; short protein forms P1464R, P1534R, P488R.
Identifiers: ClinVar variation 3061113 (VCV003061113.2), dbSNP rs2495600704, ClinGen allele CA381146341.